The following is an entry in ClinVar:

ClinVar aggregate classification (germline): Uncertain significance (1 of 4 stars; one submission).

Conditions:
PLXNA4-related disorder. Also called: PLXNA4-related condition.

gnomAD v4.1: 138 of 1,614,008 alleles (0.0086%); highest among the groups gnomAD compares: Non-Finnish European, 0.011%; no homozygotes.

Submission:

PreventionGenetics, part of Exact Sciences
Classification: Uncertain significance for PLXNA4-related condition. Last evaluated: 2025-11-06. Review status: criteria provided, single submitter. Criteria: ACMG Guidelines, 2015. Collection method: clinical testing. Allele origin: germline.
Comment: The PLXNA4 c.1771G>A variant is predicted to result in the amino acid substitution p.Val591Ile. To our knowledge, this variant has not been reported in the literature. This variant is reported in 0.013% of alleles in individuals of European (Non-Finnish) descent in gnomAD. At this time, the clinical significance of this variant is uncertain due to the absence of conclusive functional and genetic evidence.

NM_020911.2(PLXNA4):c.1771G>A (p.Val591Ile)

Gene: PLXNA4 (plexin A4; minus strand). Cytogenetic location: 7q32.3.
Variant type: single nucleotide variant.
Coding change: c.1771G>A on transcript NM_020911.2 (MANE Select); coding-DNA position 1771, G replaced by A.
Protein change: p.Val591Ile; replaces valine 591 with isoleucine.
Molecular consequence: missense variant.
Genome position (GRCh38, 1-based): chr7:132,227,562, C>T on the plus strand (G>A on the coding strand, the complement: PLXNA4 is on the minus strand). VCF-style: chr7-132227562-C-T. GRCh37 (hg19) VCF-style: chr7-131912321-C-T.
Other names: c.1771G>A, p.Val591Ile (NM_001393897.1); short protein forms V591I.
Identifiers: ClinVar variation 3351447 (VCV003351447.2).